The following is an entry in ClinVar:

NM_006904.7(PRKDC):c.9130A>G (p.Met3044Val)

Gene: PRKDC (protein kinase, DNA-activated, catalytic subunit; minus strand). Cytogenetic location: 8q11.21.
Variant type: single nucleotide variant.
Coding change: c.9130A>G on transcript NM_006904.7 (MANE Select); coding-DNA position 9130, A replaced by G.
Protein change: p.Met3044Val; replaces methionine 3044 with valine.
Molecular consequence: missense variant.
Genome position (GRCh38, 1-based): chr8:47,820,925, T>C on the plus strand (A>G on the coding strand, the complement: PRKDC is on the minus strand). VCF-style: chr8-47820925-T-C. GRCh37 (hg19) VCF-style: chr8-48733486-T-C.
Other names: c.9130A>G, p.Met3044Val (NM_001081640.2); short protein forms M3044V.
Identifiers: ClinVar variation 1913985 (VCV001913985.5), dbSNP rs768317348, ClinGen allele CA4739659.

ClinVar aggregate classification (germline): Uncertain significance (1 of 4 stars; one submission).

Conditions:
Severe combined immunodeficiency due to DNA-PKcs deficiency. Also called: IMMUNODEFICIENCY 26 WITH NEUROLOGIC ABNORMALITIES; Immunodeficiency 26 with or without neurologic abnormalities. Identifiers: Orphanet 317425, MedGen C4014833, MONDO:0014423, OMIM 615966.

Allele frequency attached by ClinVar (database versions not stated): gnomAD exomes below 0.00001; ExAC 0.00001; gnomAD 0.00001; TOPMed 0.00001.
gnomAD v4.1: 5 of 1,600,082 alleles (0.00031%); highest among the groups gnomAD compares: African/African-American, 0.0013%; no homozygotes.

Submission:

Labcorp Genetics (formerly Invitae), Labcorp
Classification: Uncertain significance for Severe combined immunodeficiency due to DNA-PKcs deficiency. Last evaluated: 2022-04-13. Review status: criteria provided, single submitter. Criteria: Invitae Variant Classification Sherloc (09022015). Collection method: clinical testing. Allele origin: germline.
Comment: This sequence change replaces methionine, which is neutral and non-polar, with valine, which is neutral and non-polar, at codon 3044 of the PRKDC protein (p.Met3044Val). In summary, the available evidence is currently insufficient to determine the role of this variant in disease. Therefore, it has been classified as a Variant of Uncertain Significance. Experimental studies and prediction algorithms are not available or were not evaluated, and the functional significance of this variant is currently unknown. This variant has not been reported in the literature in individuals affected with PRKDC-related conditions. This variant is present in population databases (rs768317348, gnomAD 0.007%).